The following is an entry in ClinVar:

NM_015693.4(INTU):c.1700C>T (p.Pro567Leu)

Gene: INTU (inturned planar cell polarity protein; plus strand). Cytogenetic location: 4q28.1.
Variant type: single nucleotide variant.
Coding change: c.1700C>T on transcript NM_015693.4 (MANE Select); coding-DNA position 1700, C replaced by T.
Protein change: p.Pro567Leu; replaces proline 567 with leucine.
Molecular consequence: missense variant.
Genome position (GRCh38, 1-based): chr4:127,705,724, C>T. VCF-style: chr4-127705724-C-T. GRCh37 (hg19) VCF-style: chr4-128626879-C-T.
Other names: short protein forms P567L.
Identifiers: ClinVar variation 2854668 (VCV002854668.3), dbSNP rs2531026698, ClinGen allele CA358136305.
Genomic context (GRCh38, chr4:127,705,724, plus strand): 5'-TGCTGCCTTTAGCAGCAAAACAAAGAATTGGTCAGTTGATCATATGGAGAGAAGTGTTTC[C>T]TCAGCATCACCTCCGACCTTTGGCAGACTCAAGCACTGAAGTCTTTCCGGAACCTGAAGG-3'
Protein context (NP_056508.2, residues 557-577): GQLIIWREVF[Pro567Leu]QHHLRPLADS

ClinVar aggregate classification (germline): Uncertain significance (1 of 4 stars; one submission).

Submission:

Labcorp Genetics (formerly Invitae), Labcorp
Classification: Uncertain significance. Last evaluated: 2023-04-10. Review status: criteria provided, single submitter. Criteria: Invitae Variant Classification Sherloc (09022015). Collection method: clinical testing. Allele origin: germline.
Comment: This sequence change replaces proline, which is neutral and non-polar, with leucine, which is neutral and non-polar, at codon 567 of the INTU protein (p.Pro567Leu). This variant is not present in population databases (gnomAD no frequency). In summary, the available evidence is currently insufficient to determine the role of this variant in disease. Therefore, it has been classified as a Variant of Uncertain Significance. Advanced modeling of protein sequence and biophysical properties (such as structural, functional, and spatial information, amino acid conservation, physicochemical variation, residue mobility, and thermodynamic stability) performed at Invitae indicates that this missense variant is not expected to disrupt INTU protein function. This variant has not been reported in the literature in individuals affected with INTU-related conditions.